The following is an entry in ClinVar:

NM_000548.5(TSC2):c.5255_5256delinsCC (p.Gln1752Pro)

Gene: TSC2 (TSC complex subunit 2; plus strand). Cytogenetic location: 16p13.3.
Variant type: Indel.
Coding change: c.5255_5256delinsCC on transcript NM_000548.5 (MANE Select); coding-DNA positions 5255 to 5256, AG replaced by CC.
Protein change: p.Gln1752Pro; replaces glutamine 1752 with proline.
Molecular consequence: missense variant. On other transcripts: non-coding transcript variant (5).
Genome position (GRCh38, 1-based): chr16:2,088,321-2,088,322, AG replaced by CC. VCF-style: chr16-2088321-AG-CC. GRCh37 (hg19) VCF-style: chr16-2138322-AG-CC.
Other names: c.5054_5055delinsCC, p.Gln1685Pro (NM_001077183.3); c.5186_5187delinsCC, p.Gln1729Pro (NM_001114382.3); c.4946_4947delinsCC, p.Gln1649Pro (NM_001318827.2); c.4910_4911delinsCC, p.Gln1637Pro (NM_001318829.2); c.4523_4524delinsCC, p.Gln1508Pro (NM_001318831.2); c.5087_5088delinsCC, p.Gln1696Pro (NM_001318832.2); c.5057_5058delinsCC, p.Gln1686Pro (NM_001363528.2); c.5123_5124delinsCC, p.Gln1708Pro (NM_001370404.1); and 27 more; short protein forms Q1237P, Q1485P, Q1486P, Q1529P, Q1637P, Q1680P, Q1686P, Q1696P.
Identifiers: ClinVar variation 3811321 (VCV003811321.1).

ClinVar aggregate classification (germline): Uncertain significance (1 of 4 stars; one submission).

Conditions:
Hereditary cancer-predisposing syndrome. Also called: Neoplastic Syndromes, Hereditary; Hereditary Cancer Syndrome; Tumor predisposition; Hereditary neoplastic syndrome. Identifiers: Orphanet 140162, MedGen C0027672, MeSH D009386, MONDO:0015356.

Submission:

Ambry Genetics
Classification: Uncertain significance for Hereditary cancer-predisposing syndrome. Last evaluated: 2025-01-14. Review status: criteria provided, single submitter. Criteria: Ambry Variant Classification Scheme 2023. Collection method: clinical testing. Allele origin: germline.
Comment: The c.5255_5256delAGinsCC variant, located in coding exon 40 of the TSC2 gene, results from an in-frame deletion of AG and insertion of CC at nucleotide positions 5255 to 5256. This results in the substitution of the glutamine residue for a proline residue at codon 1752, an amino acid with similar properties. This amino acid position is poorly conserved in available vertebrate species. In addition, this alteration is predicted to be neutral by in silico analysis (Choi Y et al. PLoS ONE. 2012; 7(10):e46688). Based on the available evidence, the clinical significance of this variant remains unclear.